The following is an entry in ClinVar:

ClinVar aggregate classification (germline): Uncertain significance (1 of 4 stars; one submission).

Allele frequency attached by ClinVar (database versions not stated): TOPMed below 0.00001.

Submission:

Ambry Genetics
Classification: Uncertain significance. Last evaluated: 2024-03-14. Review status: criteria provided, single submitter. Criteria: Ambry Variant Classification Scheme 2023. Collection method: clinical testing. Allele origin: germline.
Comment: The p.I1415V variant (also known as c.4243A>G) is located in coding exon 12 of the MLH3 gene. The isoleucine at codon 1415 is replaced by valine, an amino acid with highly similar properties. This change occurs in the first base pair of coding exon 12. This amino acid position is conserved. In addition, this alteration is predicted to be tolerated by in silico analysis. Based on the available evidence, the clinical significance of this alteration remains unclear.

NM_001040108.2(MLH3):c.4243A>G (p.Ile1415Val)

Gene: MLH3 (mutL homolog 3; minus strand). Cytogenetic location: 14q24.3.
Variant type: single nucleotide variant.
Coding change: c.4243A>G on transcript NM_001040108.2 (MANE Select); coding-DNA position 4243, A replaced by G.
Protein change: p.Ile1415Val; replaces isoleucine 1415 with valine.
Molecular consequence: missense variant.
Genome position (GRCh38, 1-based): chr14:75,017,201, T>C on the plus strand (A>G on the coding strand, the complement: MLH3 is on the minus strand). VCF-style: chr14-75017201-T-C. GRCh37 (hg19) VCF-style: chr14-75483904-T-C.
Other names: c.4171A>G, p.Ile1391Val (NM_014381.3); short protein forms I1391V, I1415V.
Identifiers: ClinVar variation 3232571 (VCV003232571.1), dbSNP rs1889941861, ClinGen allele CA390418272.